The following is an entry in ClinVar:

NM_002693.3(POLG):c.150G>A (p.Gln50=)

Genes: POLG (DNA polymerase gamma, catalytic subunit; minus strand), POLGARF (POLG alternative reading frame; minus strand). Cytogenetic location: 15q26.1.
Variant type: single nucleotide variant.
Coding change: c.150G>A on transcript NM_002693.3 (MANE Select); coding-DNA position 150, G replaced by A.
Protein change: p.Gln50=; no amino-acid change (glutamine 50 retained).
Molecular consequence: synonymous variant.
Genome position (GRCh38, 1-based): chr15:89,333,605, C>T on the plus strand (G>A on the coding strand, the complement: POLG is on the minus strand). VCF-style: chr15-89333605-C-T. GRCh37 (hg19) VCF-style: chr15-89876836-C-T.
Other names: c.150G>A, p.Gln50= (NM_001126131.2).
Identifiers: ClinVar variation 378909 (VCV000378909.16), dbSNP rs766501874, ClinGen allele CA7725184.

ClinVar aggregate classification (germline): Benign/Likely benign. Review status: criteria provided, multiple submitters, no conflicts (2 of 4 stars). 6 submissions from 6 submitters: Benign (1); Likely benign (5). Last evaluated 2026-01-28.

Conditions:
Inborn genetic diseases. Identifiers: MedGen C0950123, MeSH D030342.
Progressive sclerosing poliodystrophy (MTDPS4A). Also called: ALPERS DIFFUSE DEGENERATION OF CEREBRAL GRAY MATTER WITH HEPATIC CIRRHOSIS; Alpers Syndrome; Mitochondrial DNA Depletion Syndrome 4A; ALPERS PROGRESSIVE INFANTILE POLIODYSTROPHY; NEURONAL DEGENERATION OF CHILDHOOD WITH LIVER DISEASE, PROGRESSIVE; Mitochondrial DNA depletion syndrome 4A (Alpers type). Identifiers: Orphanet 726, MedGen C0205710, MONDO:0008758, OMIM 203700.

Allele frequency attached by ClinVar (database versions not stated): gnomAD 0.00001; gnomAD exomes 0.00002 and 0.00005; ExAC 0.00004.
gnomAD v4.1: 30 of 1,580,682 alleles (0.0019%); highest among the groups gnomAD compares: South Asian, 0.0034%; no homozygotes.

Submissions (6):

Labcorp Genetics (formerly Invitae), Labcorp
Classification: Likely benign for Progressive sclerosing poliodystrophy. Last evaluated: 2026-01-28. Review status: criteria provided, single submitter. Criteria: Invitae Variant Classification Sherloc (09022015). Collection method: clinical testing. Allele origin: germline.

Blueprint Genetics
Classification: Likely benign. Last evaluated: 2024-10-31. Review status: criteria provided, single submitter. Criteria: ACMG Guidelines, 2015. Collection method: clinical testing. Allele origin: germline.

GeneDx
Classification: Likely benign. Last evaluated: 2021-04-09. Review status: criteria provided, single submitter. Criteria: GeneDx Variant Classification Process June 2021. Collection method: clinical testing. Allele origin: germline. Affected: yes.

Athena Diagnostics
Classification: Likely benign. Last evaluated: 2018-12-03. Review status: criteria provided, single submitter. Criteria: Athena Diagnostics Criteria. Collection method: clinical testing. Allele origin: germline.

Wong Mito Lab, Molecular and Human Genetics, Baylor College of Medicine
Classification: Benign for Progressive sclerosing poliodystrophy. Last evaluated: 2018-10-01. Review status: criteria provided, single submitter. Criteria: ACMG Guidelines, 2015. Collection method: clinical testing. Allele origin: germline.
Comment: The NM_002693.2:c.150G>A (NP_002684.1:p.Gln50=) [GRCH38: NC_000015.10:g.89333605C>T] variant in POLG gene is interpretated to be a Benign based on ACMG guidelines (PMID: 25741868). This variant meets the following evidence codes reported in the ACMG-guideline. BS1:The minor allele frequency of this allele is high for Mitochondrial DNA depletion syndrome 4A (Alpers type). BS2:Observation of the variant in controls is inconsistent with penetrance of Mitochondrial DNA depletion syndrome 4A (Alpers type). BP4:Computational evidence/predictors indicate no impact on the POLG structure, function, or protein-protein interaction. BP7:The variant is silent with non predicted splice impact. Based on the evidence criteria codes applied, the variant is suggested to be Benign.

Ambry Genetics
Classification: Likely benign for Inborn genetic diseases. Last evaluated: 2018-08-24. Review status: criteria provided, single submitter. Criteria: Ambry Variant Classification Scheme 2023. Collection method: clinical testing. Allele origin: germline.